The following is an entry in ClinVar:

ClinVar aggregate classification (germline): Pathogenic (1 of 4 stars; one submission).

Submission:

Labcorp Genetics (formerly Invitae), Labcorp
Classification: Pathogenic. Last evaluated: 2025-05-16. Review status: criteria provided, single submitter. Criteria: Invitae Variant Classification Sherloc (09022015). Collection method: clinical testing. Allele origin: germline.
Comment: This sequence change creates a premature translational stop signal (p.Ser1833Valfs*39) in the C2CD3 gene. It is expected to result in an absent or disrupted protein product. Loss-of-function variants in C2CD3 are known to be pathogenic (PMID: 24997988, 26477546). This variant is not present in population databases (gnomAD no frequency). This variant has not been reported in the literature in individuals affected with C2CD3-related conditions. ClinVar contains an entry for this variant (Variation ID: 2696541). For these reasons, this variant has been classified as Pathogenic.

Literature cited by the submitters: PubMed 24997988; PubMed 26477546.

NM_001286577.2(C2CD3):c.5497del (p.Ser1833fs)

Gene: C2CD3 (C2 domain containing 3 centriole elongation regulator; minus strand). Cytogenetic location: 11q13.4.
Variant type: Deletion.
Coding change: c.5497del on transcript NM_001286577.2 (MANE Select); coding-DNA position 5497, one base deleted (A; older notation c.5497delA).
Protein change: p.Ser1833fs; shifts the reading frame from serine 1833.
Molecular consequence: frameshift variant.
Genome position (GRCh38, 1-based): chr11:74,042,217, T deleted on the plus strand (A on the coding strand, the reverse complement: C2CD3 is on the minus strand); the first of 2 consecutive T bases (chr11:74,042,217-74,042,218); deleting either gives the same sequence. VCF-style (leftmost placement, unchanged base first): chr11-74042216-CT-C. GRCh37 (hg19) VCF-style: chr11-73753261-CT-C.
Other names: c.5497del, p.Ser1833fs (NM_015531.6); short protein forms S1833fs.
Identifiers: ClinVar variation 2696541 (VCV002696541.3), dbSNP rs2496232377, ClinGen allele CA2697548798.
Genomic context (GRCh38, chr11:74,042,216, plus strand): 5'-AACCGGCGAATGTTCTGCACATGCTCTTCATGGCGTGATGCTTGGCTTCTTGTGGTATCA[CT>C]TCTGTCAAAAAAAAAAAAAAAAAAAGTAGGAGCAAAATAAATTCCCAATCAATGAGAACA-3'